The following is an entry in ClinVar:

ClinVar aggregate classification (germline): Likely pathogenic (0 of 4 stars; one submission).

Conditions:
Obesity. Also called: Obesity disorder. Identifiers: Orphanet 71529, MedGen C0028754, MeSH D009765, MONDO:0011122, HP:0001513.

Submission:

Dash Lab, University Health Network
Classification: Likely pathogenic for Obesity. Last evaluated: 2018-12-01. Review status: no assertion criteria provided. Collection method: research. Allele origin: germline. Affected: yes.
Comment: Obesity with no other associated features

NM_015100.4(POGZ):c.3638G>A (p.Trp1213Ter)

Gene: POGZ (pogo transposable element derived with ZNF domain; minus strand). Cytogenetic location: 1q21.3.
Variant type: single nucleotide variant.
Coding change: c.3638G>A on transcript NM_015100.4 (MANE Select); coding-DNA position 3638, G replaced by A.
Protein change: p.Trp1213Ter; replaces tryptophan 1213 with a stop codon.
Molecular consequence: nonsense.
Genome position (GRCh38, 1-based): chr1:151,405,397, C>T on the plus strand (G>A on the coding strand, the complement: POGZ is on the minus strand). VCF-style: chr1-151405397-C-T. GRCh37 (hg19) VCF-style: chr1-151377873-C-T.
Other names: c.3611G>A, p.Trp1204Ter (NM_001194937.2); c.3452G>A, p.Trp1151Ter (NM_001194938.2); c.3353G>A, p.Trp1118Ter (NM_145796.4); c.3479G>A, p.Trp1160Ter (NM_207171.2); short protein forms W1151*, W1213*, W1118*, W1160*, W1204*.
Identifiers: ClinVar variation 631528 (VCV000631528.3), dbSNP rs1571321748, ClinGen allele CA341941086.